The following is an entry in ClinVar:

NM_003239.5(TGFB3):c.769G>T (p.Asp257Tyr)

Gene: TGFB3 (transforming growth factor beta 3; minus strand). Cytogenetic location: 14q24.3.
Variant type: single nucleotide variant.
Coding change: c.769G>T on transcript NM_003239.5 (MANE Select); coding-DNA position 769, G replaced by T.
Protein change: p.Asp257Tyr; replaces aspartic acid 257 with tyrosine.
Molecular consequence: missense variant.
Genome position (GRCh38, 1-based): chr14:75,963,473, C>A on the plus strand (G>T on the coding strand, the complement: TGFB3 is on the minus strand). VCF-style: chr14-75963473-C-A. GRCh37 (hg19) VCF-style: chr14-76429816-C-A.
Other names: c.769G>T, p.Asp257Tyr (NM_001329938.2, NM_001329939.2); short protein forms D257Y.
Identifiers: ClinVar variation 1007336 (VCV001007336.7), dbSNP rs2035184083, ClinGen allele CA390468702.

ClinVar aggregate classification (germline): Uncertain significance (1 of 4 stars; one submission).

Conditions:
Rienhoff syndrome. Also called: LOEYS-DIETZ SYNDROME 5. Identifiers: MedGen C3810012, MONDO:0014262, OMIM 615582.

Allele frequency attached by ClinVar (database versions not stated): gnomAD 0.00001; gnomAD exomes below 0.00001; TOPMed below 0.00001.
gnomAD v4.1: 8 of 1,614,044 alleles (0.0005%); highest among the groups gnomAD compares: African/African-American, 0.0013%; no homozygotes.

Submission:

Labcorp Genetics (formerly Invitae), Labcorp
Classification: Uncertain significance for Rienhoff syndrome. Last evaluated: 2024-01-16. Review status: criteria provided, single submitter. Criteria: Invitae Variant Classification Sherloc (09022015). Collection method: clinical testing. Allele origin: germline.
Comment: This sequence change replaces aspartic acid, which is acidic and polar, with tyrosine, which is neutral and polar, at codon 257 of the TGFB3 protein (p.Asp257Tyr). This variant is not present in population databases (gnomAD no frequency). This variant has not been reported in the literature in individuals affected with TGFB3-related conditions. ClinVar contains an entry for this variant (Variation ID: 1007336). An algorithm developed to predict the effect of missense changes on protein structure and function (PolyPhen-2) suggests that this variant¬†is likely to be tolerated. In summary, the available evidence is currently insufficient to determine the role of this variant in disease. Therefore, it has been classified as a Variant of Uncertain Significance.